The following is an entry in ClinVar:

NM_001370259.2(MEN1):c.21G>A (p.Gln7=)

Gene: MEN1 (menin 1; minus strand). Cytogenetic location: 11q13.1.
Variant type: single nucleotide variant.
Coding change: c.21G>A on transcript NM_001370259.2 (MANE Select); coding-DNA position 21, G replaced by A.
Protein change: p.Gln7=; no amino-acid change (glutamine 7 retained).
Molecular consequence: synonymous variant.
Genome position (GRCh38, 1-based): chr11:64,810,089, C>T on the plus strand (G>A on the coding strand, the complement: MEN1 is on the minus strand). VCF-style: chr11-64810089-C-T. GRCh37 (hg19) VCF-style: chr11-64577561-C-T.
Other names: c.21G>A, p.Gln7= (NM_000244.4, NM_001370251.2, NM_001370260.2 and 9 more transcripts).
Identifiers: ClinVar variation 697420 (VCV000697420.18), dbSNP rs1422628649, ClinGen allele CA475163350.

ClinVar aggregate classification (germline): Conflicting classifications of pathogenicity. Review status: criteria provided, conflicting classifications (1 of 4 stars). 5 submissions from 5 submitters: Uncertain significance (1); Benign (1); Likely benign (3). Last evaluated 2026-01-13.

Conditions:
Hereditary cancer-predisposing syndrome. Also called: Tumor predisposition; Hereditary neoplastic syndrome; Hereditary Cancer Syndrome; Neoplastic Syndromes, Hereditary. Identifiers: Orphanet 140162, MedGen C0027672, MeSH D009386, MONDO:0015356.
Multiple endocrine neoplasia, type 1 (MEN1). Also called: MEN I; MEA I; WERMER SYNDROME; Endocrine adenomatosis multiple; MEN 1. Identifiers: Orphanet 652, MedGen C0025267, MeSH D018761, MONDO:0007540, OMIM 131100.

Allele frequency attached by ClinVar (database versions not stated): gnomAD exomes below 0.00001 and 0.00001; TOPMed 0.00002.
gnomAD v4.1: 13 of 1,394,702 alleles (0.00093%); highest among the groups gnomAD compares: Non-Finnish European, 0.0013%; no homozygotes.

Submissions (5):

Labcorp Genetics (formerly Invitae), Labcorp
Classification: Likely benign for Multiple endocrine neoplasia, type 1. Last evaluated: 2026-01-13. Review status: criteria provided, single submitter. Criteria: Invitae Variant Classification Sherloc (09022015). Collection method: clinical testing. Allele origin: germline.

Myriad Genetics, Inc.
Classification: Benign for Multiple endocrine neoplasia, type 1. Last evaluated: 2024-10-31. Review status: criteria provided, single submitter. Criteria: Myriad Autosomal Dominant, Autosomal Recessive and X-Linked Classification Criteria (2023). Collection method: clinical testing. Allele origin: unknown.
Comment: This variant is considered benign. This variant is a silent/synonymous amino acid change and it is not expected to impact splicing.

All of Us Research Program, National Institutes of Health
Classification: Likely benign for Multiple endocrine neoplasia, type 1. Last evaluated: 2023-06-28. Review status: criteria provided, single submitter. Criteria: ACMG Guidelines, 2015. Collection method: clinical testing. Allele origin: germline. Inheritance: Autosomal dominant inheritance. Observed: 3 variant alleles, 3 heterozygotes.
Comment: This study involves interpretation of variants in research participants for the purpose of population health screening. Participant phenotype was not available at the time of variant classification. Additional details can be found in publication PMID: 35346344, PMCID: PMC8962531

Sema4
Classification: Uncertain significance for Hereditary cancer-predisposing syndrome. Last evaluated: 2021-07-11. Review status: criteria provided, single submitter. Criteria: Sema4 Curation Guidelines. Collection method: curation. Allele origin: germline.
Comment: The MEN1 c.21G>A (p.Q7=) variant has not been reported in the literature to our knowledge. It was observed in 1/221270 chromosomes in the Genome Aggregation Database (PMID: 32461654). The variant has been reported in ClinVar (Variation ID: 697420). Computational tools do not suggest an impact on splicing, but these predictions have not been confirmed by functional studies. The evidence is insufficient to meet ACMG/AMP criteria for classifying the variant as benign or pathogenic. Thus, the clinical significance of this variant is currently uncertain.

Ambry Genetics
Classification: Likely benign for Hereditary cancer-predisposing syndrome. Last evaluated: 2019-06-11. Review status: criteria provided, single submitter. Criteria: Ambry Variant Classification Scheme 2023. Collection method: clinical testing. Allele origin: germline.